The following is an entry in ClinVar:

ClinVar aggregate classification (germline): Uncertain significance. Review status: criteria provided, multiple submitters, no conflicts (2 of 4 stars). 2 submissions from 2 submitters: Uncertain significance (2). Last evaluated 2026-01-27.

Conditions:
DGUOK-related disorder. Also called: DGUOK-related condition.

Allele frequency attached by ClinVar (database versions not stated): ESP Exome Variant Server 0.00015; 1000 Genomes Project 30x 0.00016.
gnomAD v4.1: 46 of 1,613,952 alleles (0.0029%); highest among the groups gnomAD compares: South Asian, 0.0055%; no homozygotes.

Submissions (2):

PreventionGenetics, part of Exact Sciences
Classification: Uncertain significance for DGUOK-related condition. Last evaluated: 2026-01-27. Review status: criteria provided, single submitter. Criteria: ACMG Guidelines, 2015. Collection method: clinical testing. Allele origin: germline.
Comment: The DGUOK c.176C>T variant is predicted to result in the amino acid substitution p.Thr59Met. To our knowledge, this variant has not been reported in the literature. This variant is reported in 0.0040% of alleles in individuals of African descent in gnomAD. At this time, the clinical significance of this variant is uncertain due to the absence of conclusive functional and genetic evidence.

Labcorp Genetics (formerly Invitae), Labcorp
Classification: Uncertain significance. Last evaluated: 2022-02-28. Review status: criteria provided, single submitter. Criteria: Invitae Variant Classification Sherloc (09022015). Collection method: clinical testing. Allele origin: germline.
Comment: This sequence change replaces threonine, which is neutral and polar, with methionine, which is neutral and non-polar, at codon 59 of the DGUOK protein (p.Thr59Met). This variant is present in population databases (rs144907403, gnomAD 0.006%). This variant has not been reported in the literature in individuals affected with DGUOK-related conditions. Algorithms developed to predict the effect of missense changes on protein structure and function output the following: SIFT: "Tolerated"; PolyPhen-2: "Benign"; Align-GVGD: "Class C0". The methionine amino acid residue is found in multiple mammalian species, which suggests that this missense change does not adversely affect protein function. In summary, the available evidence is currently insufficient to determine the role of this variant in disease. Therefore, it has been classified as a Variant of Uncertain Significance.

NM_080916.3(DGUOK):c.176C>T (p.Thr59Met)

Gene: DGUOK (deoxyguanosine kinase; plus strand). Cytogenetic location: 2p13.1.
Variant type: single nucleotide variant.
Coding change: c.176C>T on transcript NM_080916.3 (MANE Select); coding-DNA position 176, C replaced by T.
Protein change: p.Thr59Met; replaces threonine 59 with methionine.
Molecular consequence: missense variant. On other transcripts: intron variant (4).
Genome position (GRCh38, 1-based): chr2:73,938,943, C>T. VCF-style: chr2-73938943-C-T. GRCh37 (hg19) VCF-style: chr2-74166070-C-T.
Other names: c.176C>T, p.Thr59Met (NM_001318859.2, NM_080918.3); c.-37+6260C>T (NM_001318861.2, NM_001318862.2); c.-36-7776C>T (NM_001318860.2, NM_001318863.2); c.176C>T (NM_080916.2); short protein forms T59M.
Identifiers: ClinVar variation 1409386 (VCV001409386.4), dbSNP rs144907403, ClinGen allele CA1718191.